The following is an entry in ClinVar:

NM_001267550.2(TTN):c.71625_71644del (p.Val23876fs)

Genes: TTN (titin; minus strand), TTN-AS1 (TTN antisense RNA 1; plus strand). Cytogenetic location: 2q31.2.
Variant type: Deletion.
Coding change: c.71625_71644del on transcript NM_001267550.2 (MANE Select); coding-DNA positions 71625 to 71644, 20 bases deleted (TGTGAGCAAAGCTTTAGTAC).
Protein change: p.Val23876fs; shifts the reading frame from valine 23876.
Molecular consequence: frameshift variant.
Genome position (GRCh38, 1-based): chr2:178,574,488-178,574,507, GTACTAAAGCTTTGCTCACA deleted on the plus strand (TGTGAGCAAAGCTTTAGTAC on the coding strand, the reverse complement: TTN is on the minus strand); deleting any 20 consecutive bases within chr2:178,574,488-178,574,509 gives the same sequence; the c. name uses the placement nearest the transcript's 3' end. VCF-style (leftmost placement, unchanged base first): chr2-178574487-GGTACTAAAGCTTTGCTCACA-G. GRCh37 (hg19) VCF-style: chr2-179439214-GGTACTAAAGCTTTGCTCACA-G.
Other names: c.66702_66721del, p.Val22235fs (NM_001256850.1); c.44430_44449del, p.Val14811fs (NM_003319.4); c.63921_63940del, p.Val21308fs (NM_133378.4); c.44805_44824del, p.Val14936fs (NM_133432.3); c.45006_45025del, p.Val15003fs (NM_133437.4); short protein forms V14811fs, V14936fs, V15003fs, V21308fs, V22235fs, V23876fs.
Identifiers: ClinVar variation 4531792 (VCV004531792.1).

ClinVar aggregate classification (germline): Likely pathogenic (1 of 4 stars; one submission).

Conditions:
Dilated cardiomyopathy 1G (CMD1G). Identifiers: Orphanet 154, MedGen C1858763, MONDO:0011400, OMIM 604145.

Submission:

Victorian Clinical Genetics Services, Murdoch Childrens Research Institute
Classification: Likely pathogenic for Dilated cardiomyopathy 1G. Last evaluated: 2025-05-29. Review status: criteria provided, single submitter. Criteria: ACMG Guidelines, 2015. Collection method: clinical testing. Allele origin: germline. Affected: yes.
Comment: This variant is classified as Likely pathogenic. Evidence in support of pathogenic classification: Variant is predicted to cause nonsense-mediated decay (NMD) and loss of protein (premature termination codon is located at least 54 nucleotides upstream of the final exon-exon junction); Variant is absent from gnomAD (v2, v3 and v4); Other NMD-predicted variants comparable to the one identified in this case have strong previous evidence for pathogenicity (ClinVar). Additional information: This variant is heterozygous; This gene is associated with both recessive and dominant disease (OMIM); This variant has no previous evidence of pathogenicity; No published segregation evidence has been identified for this variant; No published functional evidence has been identified for this variant; Variant is located in the annotated A-band and the exon has a PSI score of 100% (PMID: 25589632); Loss of function is a known mechanism of disease in this gene. In addition, dominant negative is also a suggested mechanism (PMID: 25589632); The condition associated with this gene has incomplete penetrance. Variants in this gene that result in a premature termination codon (PTC) are known to have reduced penetrance in DCM (PMID: 25589632); Inheritance information for this variant is not currently available in this individual.

Literature cited by the submitters: PubMed 25589632.